The following is an entry in ClinVar:

NM_002834.5(PTPN11):c.1495T>A (p.Ser499Thr)

Gene: PTPN11 (protein tyrosine phosphatase non-receptor type 11; plus strand). Cytogenetic location: 12q24.13.
Variant type: single nucleotide variant.
Coding change: c.1495T>A on transcript NM_002834.5 (MANE Select); coding-DNA position 1495, T replaced by A.
Protein change: p.Ser499Thr; replaces serine 499 with threonine.
Molecular consequence: missense variant.
Genome position (GRCh38, 1-based): chr12:112,489,071, T>A. VCF-style: chr12-112489071-T-A. GRCh37 (hg19) VCF-style: chr12-112926875-T-A.
Other names: c.1507T>A, p.Ser503Thr (NM_001330437.2); c.1492T>A, p.Ser498Thr (NM_001374625.1); short protein forms S499T, S503T, S498T.
Identifiers: ClinVar variation 633380 (VCV000633380.1), dbSNP rs1566186813, ClinGen allele CA386779812.
Genomic context (GRCh38, chr12:112,489,071, plus strand): 5'-GTTTCCTTCGTAGGTGTTGACTGCGATATTGACGTTCCCAAAACCATCCAGATGGTGCGG[T>A]CTCAGAGGTCAGGGATGGTCCAGACAGAAGCACAGTACCGATTTATCTATATGGCGGTCC-3'
Protein context (NP_002825.3, residues 489-509): DVPKTIQMVR[Ser499Thr]QRSGMVQTEA

ClinVar aggregate classification (germline): Uncertain significance (1 of 4 stars; one submission).

Submission:

Women's Health and Genetics/Laboratory Corporation of America, LabCorp
Classification: Uncertain significance. Last evaluated: 2018-06-18. Review status: criteria provided, single submitter. Criteria: LabCorp Variant Classification Summary - May 2015. Collection method: clinical testing. Allele origin: germline.
Comment: Variant summary: PTPN11 c.1495T>A (p.Ser499Thr) results in a conservative amino acid change in the encoded protein sequence. Four of five in-silico tools predict a benign effect of the variant on protein function. The variant was absent in 246272 control chromosomes. The available data on variant occurrences in the general population are insufficient to allow any conclusion about variant significance. To our knowledge, no occurrence of c.1495T>A in individuals affected with Noonan Syndrome and Related Conditions and no experimental evidence demonstrating its impact on protein function have been reported. No clinical diagnostic laboratories have submitted clinical-significance assessments for this variant to ClinVar after 2014. Based on the evidence outlined above, the variant was classified as uncertain significance.